The following is an entry in ClinVar:

NM_000359.3(TGM1):c.944dup (p.Gly316fs)

Gene: TGM1 (transglutaminase 1; minus strand). Cytogenetic location: 14q12.
Variant type: Duplication.
Coding change: c.944dup on transcript NM_000359.3 (MANE Select); coding-DNA position 944, one base duplicated (G; older notation c.944dupG).
Protein change: p.Gly316fs; shifts the reading frame from glycine 316.
Molecular consequence: frameshift variant.
Genome position (GRCh38, 1-based): chr14:24,259,744, C duplicated on the plus strand (G on the coding strand, the reverse complement: TGM1 is on the minus strand). VCF-style (leftmost placement, unchanged base first): chr14-24259743-A-AC. GRCh37 (hg19) VCF-style: chr14-24728949-A-AC.
Other names: short protein forms G316fs.
Identifiers: ClinVar variation 5011776 (VCV005011776.1).

ClinVar aggregate classification (germline): Pathogenic (1 of 4 stars; one submission).

Conditions:
Autosomal recessive congenital ichthyosis 1 (LI1). Also called: COLLODION FETUS; DESQUAMATION OF NEWBORN; ICHTHYOSIS CONGENITA; ICHTHYOSIS CONGENITA II; LAMELLAR EXFOLIATION OF NEWBORN; ICHTHYOSIS, CONGENITAL, AUTOSOMAL RECESSIVE 1, WITH BATHING SUIT DISTRIBUTION. Identifiers: MedGen C4551630, MONDO:0009441, OMIM 242300.

Submission:

Myriad Genetics, Inc.
Classification: Pathogenic for Autosomal recessive congenital ichthyosis 1. Last evaluated: 2023-09-27. Review status: criteria provided, single submitter. Criteria: Myriad Autosomal Dominant, Autosomal Recessive and X-Linked Classification Criteria (2023). Collection method: clinical testing. Allele origin: unknown.
Comment: NM_000359.2(TGM1):c.944dupG(G316Wfs*19) is expected to be pathogenic in the context of TGM1-related autosomal recessive congenital ichthyosis. This variant is predicted to lead to an abnormal or absent protein product due to the creation of a premature termination codon in TGM1, a gene where loss-of-function variants are known to be pathogenic. Please note: this variant was assessed in the context of healthy population screening.